The following is an entry in ClinVar:

ClinVar aggregate classification (germline): Likely benign (0 of 4 stars; one submission).

Conditions:
IL31RA-related disorder. Also called: IL31RA-related condition.

Allele frequency attached by ClinVar (database versions not stated): 1000 Genomes Project 30x 0.00031; ESP Exome Variant Server 0.00032; 1000 Genomes Project 0.00040.
gnomAD v4.1: 90 of 1,613,890 alleles (0.0056%); highest among the groups gnomAD compares: African/African-American, 0.11%; no homozygotes.

Submission:

PreventionGenetics, part of Exact Sciences
Classification: Likely benign for IL31RA-related condition. Last evaluated: 2019-06-06. Review status: no assertion criteria provided. Collection method: clinical testing. Allele origin: germline.
Comment: This variant is classified as likely benign based on ACMG/AMP sequence variant interpretation guidelines (Richards et al. 2015 PMID: 25741868, with internal and published modifications).

NM_139017.7(IL31RA):c.33G>C (p.Thr11=)

Gene: IL31RA (interleukin 31 receptor A; plus strand). Cytogenetic location: 5q11.2.
Variant type: single nucleotide variant.
Coding change: c.33G>C on transcript NM_139017.7 (MANE Select); coding-DNA position 33, G replaced by C.
Protein change: p.Thr11=; no amino-acid change (threonine 11 retained).
Molecular consequence: synonymous variant. On other transcripts: 5 prime UTR variant (1).
Genome position (GRCh38, 1-based): chr5:55,851,603, G>C. VCF-style: chr5-55851603-G-C. GRCh37 (hg19) VCF-style: chr5-55147431-G-C.
Other names: c.33G>C, p.Thr11= (NM_001242637.2, NM_001297570.3); c.-389G>C (NM_001242638.2).
Identifiers: ClinVar variation 3044376 (VCV003044376.2), dbSNP rs371900126, ClinGen allele CA3270355.